The following is an entry in ClinVar:

NM_025114.4(CEP290):c.3014A>G (p.Glu1005Gly)

Gene: CEP290 (centrosomal protein 290; minus strand). Cytogenetic location: 12q21.32.
Variant type: single nucleotide variant.
Coding change: c.3014A>G on transcript NM_025114.4 (MANE Select); coding-DNA position 3014, A replaced by G.
Protein change: p.Glu1005Gly; replaces glutamic acid 1005 with glycine.
Molecular consequence: missense variant.
Genome position (GRCh38, 1-based): chr12:88,096,977, T>C on the plus strand (A>G on the coding strand, the complement: CEP290 is on the minus strand). VCF-style: chr12-88096977-T-C. GRCh37 (hg19) VCF-style: chr12-88490754-T-C.
Other names: short protein forms E1005G.
Identifiers: ClinVar variation 2161199 (VCV002161199.2), dbSNP rs1487962552, ClinGen allele CA386007176.

ClinVar aggregate classification (germline): Uncertain significance. Review status: criteria provided, multiple submitters, no conflicts (2 of 4 stars). 2 submissions from 2 submitters: Uncertain significance (2). Last evaluated 2022-04-17.

Conditions:
Nephronophthisis. Also called: Juvenile Nephronophthisis. Identifiers: Orphanet 655, MedGen C0687120, MONDO:0019005, HP:0000090.
Joubert syndrome. Also called: Familial aplasia of the vermis; JOUBERT-BOLTSHAUSER SYNDROME. Identifiers: Orphanet 475, MedGen C5979921, MONDO:0018772.
Meckel-Gruber syndrome. Also called: Dysencephalia splachnocystica; DYSENCEPHALIA SPLANCHNOCYSTICA; GRUBER SYNDROME. Identifiers: Orphanet 564, MedGen C0265215, MONDO:0018921.

Allele frequency attached by ClinVar (database versions not stated): gnomAD exomes 0.00001.
gnomAD v4.1: 11 of 1,557,680 alleles (0.00071%); highest among the groups gnomAD compares: South Asian, 0.013%; no homozygotes.

Submissions (2):

Labcorp Genetics (formerly Invitae), Labcorp
Classification: Uncertain significance for Joubert syndrome; Meckel-Gruber syndrome; Nephronophthisis. Last evaluated: 2022-04-17. Review status: criteria provided, single submitter. Criteria: Invitae Variant Classification Sherloc (09022015). Collection method: clinical testing. Allele origin: germline.
Comment: This sequence change replaces glutamic acid, which is acidic and polar, with glycine, which is neutral and non-polar, at codon 1005 of the CEP290 protein (p.Glu1005Gly). This variant is present in population databases (no rsID available, gnomAD 0.004%). This variant has not been reported in the literature in individuals affected with CEP290-related conditions. Algorithms developed to predict the effect of missense changes on protein structure and function are either unavailable or do not agree on the potential impact of this missense change (SIFT: "Tolerated"; PolyPhen-2: "Possibly Damaging"; Align-GVGD: "Class C0"). In summary, the available evidence is currently insufficient to determine the role of this variant in disease. Therefore, it has been classified as a Variant of Uncertain Significance.

Blueprint Genetics
Classification: Uncertain significance. Last evaluated: 2019-09-27. Review status: criteria provided, single submitter. Criteria: ACMG Guidelines, 2015. Collection method: clinical testing. Allele origin: germline.